The following is an entry in ClinVar:

ClinVar aggregate classification (germline): Uncertain significance. Review status: criteria provided, multiple submitters, no conflicts (2 of 4 stars). 2 submissions from 2 submitters: Uncertain significance (2). Last evaluated 2025-10-28.

Conditions:
TBX1-related disorder. Also called: TBX1-related condition; TBX1-Related Disorders.
DiGeorge syndrome. Also called: Catch22; THIRD AND FOURTH PHARYNGEAL POUCH SYNDROME. Identifiers: Orphanet 567, MedGen C0012236, MONDO:0008564, OMIM 188400.

Submissions (2):

PreventionGenetics, part of Exact Sciences
Classification: Uncertain significance for TBX1-related condition. Last evaluated: 2025-10-28. Review status: criteria provided, single submitter. Criteria: ACMG Guidelines, 2015. Collection method: clinical testing. Allele origin: germline.
Comment: The TBX1 c.146_202del57 variant is predicted to result in an in-frame deletion (p.Arg49_Pro67del). This variant was reported in an individual with tetralogy of Fallot and an in vitro functional assay showed a 40% reduction in transcriptional activity (described as c.129_185del57; Griffin et al. 2010. PubMed ID: 20937753; Töpf et al. 2014. PubMed ID: 25093829). This variant is reported in 0.013% of alleles in individuals of African descent in gnomAD. At this time, the clinical significance of this variant is uncertain due to the absence of conclusive functional and genetic evidence.

Labcorp Genetics (formerly Invitae), Labcorp
Classification: Uncertain significance for DiGeorge syndrome. Last evaluated: 2025-04-28. Review status: criteria provided, single submitter. Criteria: Invitae Variant Classification Sherloc (09022015). Collection method: clinical testing. Allele origin: germline.
Comment: This variant, c.146_202del, results in the deletion of 19 amino acid(s) of the TBX1 protein (p.Arg49_Pro67del), but otherwise preserves the integrity of the reading frame. The frequency data for this variant in the population databases is considered unreliable, as metrics indicate poor data quality at this position in the gnomAD database. This variant has been observed in individual(s) with non-syndromic tetralogy of Fallot (PMID: 20937753). This variant is also known as c.129_185del57 (p.Pro43_Pro61del). ClinVar contains an entry for this variant (Variation ID: 1014332). Algorithms developed to predict the effect of variants on gene product structure and function are not available or were not evaluated for this variant. Experimental studies have shown that this variant affects TBX1 function (PMID: 20937753). In summary, the available evidence is currently insufficient to determine the role of this variant in disease. Therefore, it has been classified as a Variant of Uncertain Significance.

Literature cited by the submitters: PubMed 20937753 (cited by Labcorp Genetics (formerly Invitae), Labcorp).

NM_001379200.1(TBX1):c.173_229del (p.Arg58_Pro76del)

Gene: TBX1 (T-box transcription factor 1; plus strand). Cytogenetic location: 22q11.21.
Variant type: Deletion.
Coding change: c.173_229del on transcript NM_001379200.1 (MANE Select); coding-DNA positions 173 to 229, 57 bases deleted.
Protein change: p.Arg58_Pro76del.
Molecular consequence: inframe deletion.
Genome position (GRCh38, 1-based): chr22:19,761,016-19,761,072, 57 bases deleted. GRCh37 (hg19): chr22:19,748,539-19,748,595.
Other names: c.146_202del, p.Arg49_Pro67del (NM_005992.1, NM_080646.2, NM_080647.1); c.146_202del57 (NM_080647.1).
Identifiers: ClinVar variation 1014332 (VCV001014332.9), dbSNP rs1569018211, ClinGen allele CA638504329.